The following is an entry in ClinVar:

NM_001160148.2(DDHD1):c.1473del (p.Met491fs)

Gene: DDHD1 (DDHD domain containing 1; minus strand). Cytogenetic location: 14q22.1.
Variant type: Deletion.
Coding change: c.1473del on transcript NM_001160148.2 (MANE Select); coding-DNA position 1473, one base deleted (G; older notation c.1473delG).
Protein change: p.Met491fs; shifts the reading frame from methionine 491.
Molecular consequence: frameshift variant.
Genome position (GRCh38, 1-based): chr14:53,072,627, C deleted on the plus strand (G on the coding strand, the reverse complement: DDHD1 is on the minus strand). VCF-style (leftmost placement, unchanged base first): chr14-53072626-AC-A. GRCh37 (hg19) VCF-style: chr14-53539344-AC-A.
Other names: c.1494del, p.Met498fs (NM_001160147.2); c.1473del, p.Met491fs (NM_030637.3); short protein forms M491fs, M498fs.
Identifiers: ClinVar variation 3706662 (VCV003706662.2).

ClinVar aggregate classification (germline): Pathogenic (1 of 4 stars; one submission).

Conditions:
Hereditary spastic paraplegia 28. Also called: Spastic paraplegia 28, autosomal recessive. Identifiers: Orphanet 101008, MedGen C1836295, MONDO:0012256, OMIM 609340.

Submission:

Labcorp Genetics (formerly Invitae), Labcorp
Classification: Pathogenic for Hereditary spastic paraplegia 28. Last evaluated: 2024-07-19. Review status: criteria provided, single submitter. Criteria: Invitae Variant Classification Sherloc (09022015). Collection method: clinical testing. Allele origin: germline.
Comment: This sequence change creates a premature translational stop signal (p.Met498Ilefs*12) in the DDHD1 gene. It is expected to result in an absent or disrupted protein product. Loss-of-function variants in DDHD1 are known to be pathogenic (PMID: 23176821, 24989667, 26944165, 27216551). This variant is not present in population databases (gnomAD no frequency). This variant has not been reported in the literature in individuals affected with DDHD1-related conditions. For these reasons, this variant has been classified as Pathogenic.

Literature cited by the submitters: PubMed 23176821; PubMed 24989667; PubMed 26944165; PubMed 27216551.